The following is an entry in ClinVar:

ClinVar aggregate classification (germline): Uncertain significance. Review status: criteria provided, multiple submitters, no conflicts (2 of 4 stars). 2 submissions from 2 submitters: Uncertain significance (2). Last evaluated 2022-08-27.

Conditions:
Hypertrophic cardiomyopathy 14. Identifiers: MedGen C2750467, MONDO:0013197, OMIM 613251.

Submissions (2):

Labcorp Genetics (formerly Invitae), Labcorp
Classification: Uncertain significance for Hypertrophic cardiomyopathy 14. Last evaluated: 2022-08-27. Review status: criteria provided, single submitter. Criteria: Invitae Variant Classification Sherloc (09022015). Collection method: clinical testing. Allele origin: germline.
Comment: ClinVar contains an entry for this variant (Variation ID: 1162258). This variant has not been reported in the literature in individuals affected with MYH6-related conditions. This variant is present in population databases (rs763533477, gnomAD 0.003%). In summary, the available evidence is currently insufficient to determine the role of this variant in disease. Therefore, it has been classified as a Variant of Uncertain Significance. Algorithms developed to predict the effect of missense changes on protein structure and function (SIFT, PolyPhen-2, Align-GVGD) all suggest that this variant is likely to be tolerated. This sequence change replaces aspartic acid, which is acidic and polar, with glutamic acid, which is acidic and polar, at codon 338 of the MYH6 protein (p.Asp338Glu).

Neuberg Centre For Genomic Medicine, NCGM
Classification: Uncertain significance for Hypertrophic cardiomyopathy 14. Review status: criteria provided, single submitter. Criteria: ACMG Guidelines, 2015. Collection method: clinical testing. Allele origin: germline. Inheritance: Autosomal dominant inheritance. Affected: yes. Observed: 1 heterozygote.
Comment: The missense variant p.D338E in MYH6 (NM_002471.3) has not been reported previously as a pathogenic variant nor as a benign variant, to our knowledge. The missense variant c.1014C>A (p.D338E) in MYH6 (NM_002471.3) is observed in 1/30616 (0.0033%) alleles from individuals of South Asian background in the gnomAD dataset (Exome Aggregation Consortium et al., 2016), but was not seen in the homozygous state. There is a small physicochemical difference between aspartic acid and glutamic acid, which is not likely to impact secondary protein structure as these residues share similar properties. For these reasons, this variant has been classified as Uncertain Significance.

Literature cited by the submitters: PubMed 27483260 (cited by Neuberg Centre For Genomic Medicine, NCGM).

NM_002471.4(MYH6):c.1014C>A (p.Asp338Glu)

Gene: MYH6 (myosin heavy chain 6; minus strand). Cytogenetic location: 14q11.2.
Variant type: single nucleotide variant.
Coding change: c.1014C>A on transcript NM_002471.4 (MANE Select); coding-DNA position 1014, C replaced by A.
Protein change: p.Asp338Glu; replaces aspartic acid 338 with glutamic acid.
Molecular consequence: missense variant.
Genome position (GRCh38, 1-based): chr14:23,402,591, G>T on the plus strand (C>A on the coding strand, the complement: MYH6 is on the minus strand). VCF-style: chr14-23402591-G-T. GRCh37 (hg19) VCF-style: chr14-23871800-G-T.
Other names: short protein forms D338E.
Identifiers: ClinVar variation 1162258 (VCV001162258.8), dbSNP rs763533477, ClinGen allele CA7115916.